The following is an entry in ClinVar:

ClinVar aggregate classification (germline): Uncertain significance (1 of 4 stars; one submission).

Conditions:
Fanconi anemia complementation group J. Also called: BRIP1-Related Fanconi Anemia. Identifiers: Orphanet 84, MedGen C1836860, MONDO:0012187, OMIM 609054.
Familial cancer of breast. Also called: BREAST CANCER, FAMILIAL; Hereditary breast cancer; hereditary breast carcinoma. Identifiers: Orphanet 227535, MedGen C0346153, MONDO:0016419, OMIM 114480. Disease mechanism: loss of function.

Submission:

Labcorp Genetics (formerly Invitae), Labcorp
Classification: Uncertain significance for Familial cancer of breast; Fanconi anemia complementation group J. Last evaluated: 2025-10-26. Review status: criteria provided, single submitter. Criteria: Invitae Variant Classification Sherloc (09022015). Collection method: clinical testing. Allele origin: germline.
Comment: This sequence change falls in intron 4 of the BRIP1 gene. It does not directly change the encoded amino acid sequence of the BRIP1 protein. This variant is not present in population databases (gnomAD no frequency). This variant has not been reported in the literature in individuals affected with BRIP1-related conditions. ClinVar contains an entry for this variant (Variation ID: 2939159). Algorithms developed to predict the effect of sequence changes on RNA splicing suggest that this variant may disrupt the consensus splice site. In summary, the available evidence is currently insufficient to determine the role of this variant in disease. Therefore, it has been classified as a Variant of Uncertain Significance.

NM_032043.3(BRIP1):c.380-18T>A

Gene: BRIP1 (BRCA1 interacting DNA helicase 1; minus strand). Cytogenetic location: 17q23.2.
Variant type: single nucleotide variant.
Coding change: c.380-18T>A on transcript NM_032043.3 (MANE Select); 18 bases into the intron before coding-DNA position 380, T replaced by A.
Molecular consequence: intron variant.
Genome position (GRCh38, 1-based): chr17:61,849,274, A>T on the plus strand (T>A on the coding strand, the complement: BRIP1 is on the minus strand). VCF-style: chr17-61849274-A-T. GRCh37 (hg19) VCF-style: chr17-59926635-A-T.
Identifiers: ClinVar variation 2939159 (VCV002939159.3), dbSNP rs2145767563, ClinGen allele CA2740093872.
Genomic context (GRCh38, chr17:61,849,274, plus strand): 5'-TTAGCAGATAACTTTGCAGCCAGAGTGGTTTTTTCAGGGGAGTCTTATATAAGTAATTTA[A>T]AAAAAACAGCATAAATAACTTACAGGTAGGCAATTTTTCTAGAAGAAAACTGGAACCAGG-3'